The following is an entry in ClinVar:

NM_001258392.3(CLPB):c.1579G>A (p.Glu527Lys)

Gene: CLPB (ClpB family mitochondrial disaggregase; minus strand). Cytogenetic location: 11q13.4.
Variant type: single nucleotide variant.
Coding change: c.1579G>A on transcript NM_001258392.3 (MANE Select); coding-DNA position 1579, G replaced by A.
Protein change: p.Glu527Lys; replaces glutamic acid 527 with lysine.
Molecular consequence: missense variant.
Genome position (GRCh38, 1-based): chr11:72,294,426, C>T on the plus strand (G>A on the coding strand, the complement: CLPB is on the minus strand). VCF-style: chr11-72294426-C-T. GRCh37 (hg19) VCF-style: chr11-72005470-C-T.
Other names: c.1492G>A, p.Glu498Lys (NM_001258393.3); c.1534G>A, p.Glu512Lys (NM_001258394.3); c.1669G>A, p.Glu557Lys (NM_030813.6); short protein forms E498K, E512K, E557K, E527K.
Identifiers: ClinVar variation 656444 (VCV000656444.9), dbSNP rs1590753263, ClinGen allele CA381726625.

ClinVar aggregate classification (germline): Uncertain significance (1 of 4 stars; one submission).

Conditions:
3-methylglutaconic aciduria, type VIIB (MGCA7B). Also called: CLPB Deficiency; 3-methylglutaconic aciduria, type VII, with cataracts, neurologic involvement and neutropenia; 3-methylglutaconic aciduria with cataracts, neurologic involvement and neutropenia. Identifiers: Orphanet 445038, MedGen C5676893, MONDO:0014561, OMIM 616271.

Submission:

Labcorp Genetics (formerly Invitae), Labcorp
Classification: Uncertain significance for 3-methylglutaconic aciduria, type VIIB. Last evaluated: 2024-04-23. Review status: criteria provided, single submitter. Criteria: Invitae Variant Classification Sherloc (09022015). Collection method: clinical testing. Allele origin: germline.
Comment: This sequence change replaces glutamic acid, which is acidic and polar, with lysine, which is basic and polar, at codon 557 of the CLPB protein (p.Glu557Lys). This variant is not present in population databases (gnomAD no frequency). This missense change has been observed in individual(s) with CLPB-related conditions (PMID: 34115842). ClinVar contains an entry for this variant (Variation ID: 656444). An algorithm developed to predict the effect of missense changes on protein structure and function (PolyPhen-2) suggests that this variant is likely to be disruptive. Experimental studies have shown that this missense change affects CLPB function (PMID: 34115842). In summary, the available evidence is currently insufficient to determine the role of this variant in disease. Therefore, it has been classified as a Variant of Uncertain Significance.

Literature cited by the submitters: PubMed 34115842.